The following is an entry in ClinVar:

ClinVar aggregate classification (germline): Likely benign (0 of 4 stars; one submission).

Conditions:
GH1-related disorder. Also called: GH1-related condition.

Allele frequency attached by ClinVar (database versions not stated): gnomAD 0.00078; 1000 Genomes Project 30x 0.00094; 1000 Genomes Project 0.00100.

Submission:

PreventionGenetics, part of Exact Sciences
Classification: Likely benign for GH1-related condition. Last evaluated: 2019-09-19. Review status: no assertion criteria provided. Collection method: clinical testing. Allele origin: germline.
Comment: This variant is classified as likely benign based on ACMG/AMP sequence variant interpretation guidelines (Richards et al. 2015 PMID: 25741868, with internal and published modifications).

NC_000017.11:g.63918992C>T

Genes: GH-LCR (growth hormone locus control region; plus strand), GH1 (growth hormone 1; minus strand). Cytogenetic location: 17q23.3.
Variant type: single nucleotide variant.
Genome position: GRCh38 VCF-style: chr17-63918992-C-T. GRCh37 (hg19) VCF-style: chr17-61996352-C-T.
Identifiers: ClinVar variation 3040705 (VCV003040705.2), dbSNP rs150683194, ClinGen allele CA292967555.